The following is an entry in ClinVar:

ClinVar aggregate classification (germline): Uncertain significance. Review status: criteria provided, multiple submitters, no conflicts (2 of 4 stars). 2 submissions from 2 submitters: Uncertain significance (2). Last evaluated 2026-01-14.

Conditions:
Cardiovascular phenotype. Identifiers: MedGen CN230736.
Brugada syndrome. Also called: Sudden unexpected nocturnal death syndrome; Sudden unexplained nocturnal death syndrome; Sudden Unexplained Death Syndrome; Sudden Unexplained Nocturnal Death Syndrome (SUNDS). Identifiers: Orphanet 130, MedGen C1142166, MONDO:0015263.

gnomAD v4.1: 2 of 1,614,226 alleles (0.00012%); highest among the groups gnomAD compares: Non-Finnish European, 0.00017%; no homozygotes.

Submissions (2):

Labcorp Genetics (formerly Invitae), Labcorp
Classification: Uncertain significance for Brugada syndrome. Last evaluated: 2026-01-14. Review status: criteria provided, single submitter. Criteria: Invitae Variant Classification Sherloc (09022015). Collection method: clinical testing. Allele origin: germline.
Comment: This sequence change replaces phenylalanine, which is neutral and non-polar, with leucine, which is neutral and non-polar, at codon 1193 of the SCN10A protein (p.Phe1193Leu). This variant is not present in population databases (gnomAD no frequency). This variant has not been reported in the literature in individuals affected with SCN10A-related conditions. Invitae Evidence Modeling of protein sequence and biophysical properties (such as structural, functional, and spatial information, amino acid conservation, physicochemical variation, residue mobility, and thermodynamic stability) indicates that this missense variant is expected to disrupt SCN10A protein function with a positive predictive value of 80%. In summary, the available evidence is currently insufficient to determine the role of this variant in disease. Therefore, it has been classified as a Variant of Uncertain Significance.

Ambry Genetics
Classification: Uncertain significance for Cardiovascular phenotype. Last evaluated: 2025-11-04. Review status: criteria provided, single submitter. Criteria: Ambry Variant Classification Scheme 2023. Collection method: clinical testing. Allele origin: germline.
Comment: The p.F1193L variant (also known as c.3579C>A), located in coding exon 20 of the SCN10A gene, results from a C to A substitution at nucleotide position 3579. The phenylalanine at codon 1193 is replaced by leucine, an amino acid with highly similar properties. This amino acid position is conserved. In addition, this alteration is predicted to be deleterious by in silico analysis. Based on the available evidence, the clinical significance of this variant remains unclear.

NM_006514.4(SCN10A):c.3579C>A (p.Phe1193Leu)

Gene: SCN10A (sodium voltage-gated channel alpha subunit 10; minus strand). Cytogenetic location: 3p22.2.
Variant type: single nucleotide variant.
Coding change: c.3579C>A on transcript NM_006514.4 (MANE Select); coding-DNA position 3579, C replaced by A.
Protein change: p.Phe1193Leu; replaces phenylalanine 1193 with leucine.
Molecular consequence: missense variant.
Genome position (GRCh38, 1-based): chr3:38,718,755, G>T on the plus strand (C>A on the coding strand, the complement: SCN10A is on the minus strand). VCF-style: chr3-38718755-G-T. GRCh37 (hg19) VCF-style: chr3-38760246-G-T.
Other names: c.3576C>A, p.Phe1192Leu (NM_001293306.2); c.3285C>A, p.Phe1095Leu (NM_001293307.2); short protein forms F1095L, F1192L, F1193L.
Identifiers: ClinVar variation 4614889 (VCV004614889.2).